The following is an entry in ClinVar:

ClinVar aggregate classification (germline): Uncertain significance (1 of 4 stars; one submission).

Submission:

GeneDx
Classification: Uncertain significance. Last evaluated: 2024-02-08. Review status: criteria provided, single submitter. Criteria: GeneDx Variant Classification Process June 2021. Collection method: clinical testing. Allele origin: germline. Affected: yes.
Comment: Not observed at significant frequency in large population cohorts (gnomAD); In silico analysis supports that this missense variant does not alter protein structure/function; Has not been previously published as pathogenic or benign to our knowledge

NM_003482.4(KMT2D):c.12047G>A (p.Gly4016Asp)

Gene: KMT2D (lysine methyltransferase 2D; minus strand). Cytogenetic location: 12q13.12.
Variant type: single nucleotide variant.
Coding change: c.12047G>A on transcript NM_003482.4 (MANE Select); coding-DNA position 12047, G replaced by A.
Protein change: p.Gly4016Asp; replaces glycine 4016 with aspartic acid.
Molecular consequence: missense variant.
Genome position (GRCh38, 1-based): chr12:49,032,658, C>T on the plus strand (G>A on the coding strand, the complement: KMT2D is on the minus strand). VCF-style: chr12-49032658-C-T. GRCh37 (hg19) VCF-style: chr12-49426441-C-T.
Other names: short protein forms G4016D.
Identifiers: ClinVar variation 3369016 (VCV003369016.1).